The following is an entry in ClinVar:

NM_004278.4(PIGL):c.271del (p.Glu91fs)

Gene: PIGL (phosphatidylinositol glycan anchor biosynthesis class L; plus strand). Cytogenetic location: 17p11.2.
Variant type: Deletion.
Coding change: c.271del on transcript NM_004278.4 (MANE Select); coding-DNA position 271, one base deleted (G; older notation c.271delG).
Protein change: p.Glu91fs; shifts the reading frame from glutamic acid 91.
Molecular consequence: frameshift variant.
Genome position (GRCh38, 1-based): chr17:16,234,006, G deleted. VCF-style (leftmost placement, unchanged base first): chr17-16234005-AG-A. GRCh37 (hg19) VCF-style: chr17-16137319-AG-A.
Other names: c.271delG, p.Glu91Asnfs (NM_001411072.1); short protein forms E91fs.
Identifiers: ClinVar variation 2064660 (VCV002064660.4), dbSNP rs2552138236, ClinGen allele CA2580092595.

ClinVar aggregate classification (germline): Pathogenic (1 of 4 stars; one submission).

Submission:

Labcorp Genetics (formerly Invitae), Labcorp
Classification: Pathogenic. Last evaluated: 2022-10-05. Review status: criteria provided, single submitter. Criteria: Invitae Variant Classification Sherloc (09022015). Collection method: clinical testing. Allele origin: germline.
Comment: This sequence change creates a premature translational stop signal (p.Glu91Asnfs*16) in the PIGL gene. It is expected to result in an absent or disrupted protein product. Loss-of-function variants in PIGL are known to be pathogenic (PMID: 22444671). This variant is not present in population databases (gnomAD no frequency). This variant has not been reported in the literature in individuals affected with PIGL-related conditions. Algorithms developed to predict the effect of sequence changes on RNA splicing suggest that this variant may disrupt the consensus splice site. For these reasons, this variant has been classified as Pathogenic.

Literature cited by the submitters: PubMed 22444671.